The following is an entry in ClinVar:

ClinVar aggregate classification (germline): Benign/Likely benign. Review status: criteria provided, multiple submitters, no conflicts (2 of 4 stars). 9 submissions from 9 submitters: Benign (6); Likely benign (1). 2 of the submissions do not count toward it. Last evaluated 2026-02-04.

Conditions:
Primary ciliary dyskinesia 7. Also called: CILIARY DYSKINESIA, PRIMARY, 7, WITH OR WITHOUT SITUS INVERSUS. Identifiers: Orphanet 244, MedGen C2678473, MONDO:0012748, OMIM 611884.
Primary ciliary dyskinesia. Also called: Ciliary dyskinesia. Identifiers: Orphanet 244, MedGen C0008780, MONDO:0016575, HP:0012265.

Allele frequency attached by ClinVar (database versions not stated): 1000 Genomes Project 30x 0.61836; 1000 Genomes Project 0.62240; TOPMed 0.66567; gnomAD 0.69063 and 0.69318; ESP Exome Variant Server 0.71675; gnomAD exomes 0.81449.
gnomAD v4.1: 1,290,769 of 1,608,656 alleles (80%); highest among the groups gnomAD compares: Non-Finnish European, 85%; 528,502 homozygotes.

Submissions (9):

Labcorp Genetics (formerly Invitae), Labcorp
Classification: Benign for Primary ciliary dyskinesia. Last evaluated: 2026-02-04. Review status: criteria provided, single submitter. Criteria: Invitae Variant Classification Sherloc (09022015). Collection method: clinical testing. Allele origin: germline.

Blueprint Genetics
Classification: Likely benign. Last evaluated: 2024-11-27. Review status: criteria provided, single submitter. Criteria: ACMG Guidelines, 2015. Collection method: clinical testing. Allele origin: germline.

Mayo Clinic Laboratories, Mayo Clinic
Classification: Benign. Last evaluated: 2022-04-26. Review status: criteria provided, single submitter. Criteria: ACMG Guidelines, 2015. Collection method: clinical testing. Allele origin: germline. Observed: 193 variant alleles.

Genome-Nilou Lab
Classification: Benign for Primary ciliary dyskinesia 7. Last evaluated: 2021-07-30. Review status: criteria provided, single submitter. Criteria: ACMG Guidelines, 2015. Collection method: clinical testing. Allele origin: germline. Affected: no.

GeneDx
Classification: Benign. Last evaluated: 2018-11-10. Review status: criteria provided, single submitter. Criteria: GeneDx Variant Classification Process June 2021. Collection method: clinical testing. Allele origin: germline. Affected: yes.

Laboratory for Molecular Medicine, Mass General Brigham Personalized Medicine
Classification: Benign. Last evaluated: 2013-02-21. Review status: criteria provided, single submitter. Criteria: LMM Criteria. Collection method: clinical testing. Allele origin: germline. Observed: 100 variant alleles.
Comment: Met4165Val in exon 76 of DNAH11: This variant is not expected to have clinical s ignificance because it has been identified in 44.0% (1752/3986) of African Ameri can chromosomes from a broad population by the NHLBI Exome Sequencing Project (dbSNP rs6461613).

PreventionGenetics, part of Exact Sciences
Classification: Benign. Review status: criteria provided, single submitter. Criteria: ACMG Guidelines, 2015. Collection method: clinical testing. Allele origin: germline.

Clinical Genetics DNA and cytogenetics Diagnostics Lab, Erasmus MC, Erasmus Medical Center
Classification: Benign. Review status: no assertion criteria provided. Collection method: clinical testing. Allele origin: germline. Affected: yes. Study: VKGL Data-share Consensus. Not counted in ClinVar's aggregate classification.

Diagnostic Laboratory, Department of Genetics, University Medical Center Groningen
Classification: Benign. Review status: no assertion criteria provided. Collection method: clinical testing. Allele origin: germline. Affected: yes. Study: VKGL Data-share Consensus. Not counted in ClinVar's aggregate classification.

NM_001277115.2(DNAH11):c.12493A>G (p.Met4165Val)

Gene: DNAH11 (dynein axonemal heavy chain 11; plus strand). Cytogenetic location: 7p15.3.
Variant type: single nucleotide variant.
Coding change: c.12493A>G on transcript NM_001277115.2 (MANE Select); coding-DNA position 12493, A replaced by G.
Protein change: p.Met4165Val; replaces methionine 4165 with valine.
Molecular consequence: missense variant.
Genome position (GRCh38, 1-based): chr7:21,884,396, A>G. VCF-style: chr7-21884396-A-G. GRCh37 (hg19) VCF-style: chr7-21924014-A-G.
Other names: short protein forms M4165V.
Identifiers: ClinVar variation 178735 (VCV000178735.30), dbSNP rs6461613, ClinGen allele CA182908.